The following is an entry in ClinVar:

ClinVar aggregate classification (germline): Uncertain significance (1 of 4 stars; one submission).

Allele frequency attached by ClinVar (database versions not stated): gnomAD exomes below 0.00001; TOPMed below 0.00001.
gnomAD v4.1: 7 of 1,614,246 alleles (0.00043%); highest among the groups gnomAD compares: Non-Finnish European, 0.00059%; no homozygotes.

Submission:

Labcorp Genetics (formerly Invitae), Labcorp
Classification: Uncertain significance. Last evaluated: 2022-01-11. Review status: criteria provided, single submitter. Criteria: Invitae Variant Classification Sherloc (09022015). Collection method: clinical testing. Allele origin: germline.
Comment: This sequence change replaces isoleucine, which is neutral and non-polar, with valine, which is neutral and non-polar, at codon 844 of the CAD protein (p.Ile844Val). This variant is not present in population databases (gnomAD no frequency). This variant has not been reported in the literature in individuals affected with CAD-related conditions. Algorithms developed to predict the effect of missense changes on protein structure and function output the following: SIFT: "Tolerated"; PolyPhen-2: "Benign"; Align-GVGD: "Class C0". The valine amino acid residue is found in multiple mammalian species, which suggests that this missense change does not adversely affect protein function. In summary, the available evidence is currently insufficient to determine the role of this variant in disease. Therefore, it has been classified as a Variant of Uncertain Significance.

NM_004341.5(CAD):c.2530A>G (p.Ile844Val)

Genes: CAD (carbamoyl-phosphate synthetase 2, aspartate transcarbamylase, and dihydroorotase; plus strand), LOC126806171 (BRD4-independent group 4 enhancer GRCh37_chr2:27454350-27455549; plus strand). Cytogenetic location: 2p23.3.
Variant type: single nucleotide variant.
Coding change: c.2530A>G on transcript NM_004341.5 (MANE Select); coding-DNA position 2530, A replaced by G.
Protein change: p.Ile844Val; replaces isoleucine 844 with valine.
Molecular consequence: missense variant.
Genome position (GRCh38, 1-based): chr2:27,232,109, A>G. VCF-style: chr2-27232109-A-G. GRCh37 (hg19) VCF-style: chr2-27454977-A-G.
Other names: c.2341A>G, p.Ile781Val (NM_001306079.2); short protein forms I844V, I781V.
Identifiers: ClinVar variation 1377927 (VCV001377927.3), dbSNP rs1274421035, ClinGen allele CA346211574.